The following is an entry in ClinVar:

NM_001101.5(ACTB):c.158A>G (p.Tyr53Cys)

Gene: ACTB (actin beta; minus strand). Cytogenetic location: 7p22.1.
Variant type: single nucleotide variant.
Coding change: c.158A>G on transcript NM_001101.5 (MANE Select); coding-DNA position 158, A replaced by G.
Protein change: p.Tyr53Cys; replaces tyrosine 53 with cysteine.
Molecular consequence: missense variant.
Genome position (GRCh38, 1-based): chr7:5,529,366, T>C on the plus strand (A>G on the coding strand, the complement: ACTB is on the minus strand). VCF-style: chr7-5529366-T-C. GRCh37 (hg19) VCF-style: chr7-5568997-T-C.
Other names: short protein forms Y53C.
Identifiers: ClinVar variation 1196724 (VCV001196724.5), dbSNP rs2128241408, ClinGen allele CA366706238.

ClinVar aggregate classification (germline): Pathogenic/Likely pathogenic. Review status: criteria provided, multiple submitters, no conflicts (2 of 4 stars). 2 submissions from 2 submitters: Pathogenic (1); Likely pathogenic (1). Last evaluated 2026-08-13.

Conditions:
Developmental malformations-deafness-dystonia syndrome (DDS1). Identifiers: Orphanet 79107, MedGen C5848323, MONDO:0011823, OMIM 607371.
Baraitser-Winter syndrome 1 (BRWS1). Also called: BARAITSER-WINTER SYNDROME 1, ATYPICAL; PACHYGYRIA, MENTAL RETARDATION, EPILEPSY, AND CHARACTERISTIC FACIES; MENTAL RETARDATION WITH EPILEPSY AND CHARACTERISTIC FACIES; Cerebrofrontofacial syndrome. Identifiers: Orphanet 2649, Orphanet 2995, MedGen C1855722, MONDO:0009470, OMIM 243310.

Submissions (2):

GeneDx
Classification: Pathogenic. Last evaluated: 2026-08-13. Review status: criteria provided, single submitter. Criteria: GeneDx Variant Classification Process June 2021. Collection method: clinical testing. Allele origin: germline.
Comment: Not observed at significant frequency in large population cohorts (gnomAD); Missense variants in this gene are a common cause of disease and they are underrepresented in the general population; In silico analysis supports that this missense variant has a deleterious effect on protein structure/function; This variant is associated with the following publications: (PMID: 38789278, Burrill2023[abstract])

Fulgent Genetics
Classification: Likely pathogenic for Baraitser-Winter syndrome 1; Developmental malformations-deafness-dystonia syndrome. Last evaluated: 2022-04-01. Review status: criteria provided, single submitter. Criteria: ACMG Guidelines, 2015. Collection method: clinical testing. Allele origin: unknown.